The following is an entry in ClinVar:

NM_000168.6(GLI3):c.1194G>A (p.Thr398=)

Gene: GLI3 (GLI family zinc finger 3; minus strand). Cytogenetic location: 7p14.1.
Variant type: single nucleotide variant.
Coding change: c.1194G>A on transcript NM_000168.6 (MANE Select); coding-DNA position 1194, G replaced by A.
Protein change: p.Thr398=; no amino-acid change (threonine 398 retained).
Molecular consequence: synonymous variant.
Genome position (GRCh38, 1-based): chr7:42,026,247, C>T on the plus strand (G>A on the coding strand, the complement: GLI3 is on the minus strand). VCF-style: chr7-42026247-C-T. GRCh37 (hg19) VCF-style: chr7-42065846-C-T.
Other names: c.1194G>A (NM_000168.5).
Identifiers: ClinVar variation 2080619 (VCV002080619.7), dbSNP rs148822237, ClinGen allele CA4230936.

ClinVar aggregate classification (germline): Likely benign. Review status: criteria provided, multiple submitters, no conflicts (2 of 4 stars). 3 submissions from 3 submitters: Likely benign (2). 1 of the submissions does not count toward it. Last evaluated 2024-04-10.

Conditions:
GLI3-related disorder. Also called: GLI3-related disorders; GLI3-related condition. Identifiers: MedGen CN239292.
Greig cephalopolysyndactyly syndrome (GCPS). Also called: POLYSYNDACTYLY WITH PECULIAR SKULL SHAPE; Greig syndrome; GLI3-Related Greig Cephalopolysyndactyly Syndrome. Identifiers: Orphanet 380, MedGen C0265306, MONDO:0008287, OMIM 175700.
Pallister-Hall syndrome (PHS). Also called: GLI3-Related Pallister-Hall Syndrome; HYPOTHALAMIC HAMARTOBLASTOMA, HYPOPITUITARISM, IMPERFORATE ANUS, AND POSTAXIAL POLYDACTYLY. Identifiers: Orphanet 672, MedGen C0265220, MONDO:0007804, OMIM 146510.

Allele frequency attached by ClinVar (database versions not stated): ExAC 0.00002; TOPMed 0.00003; gnomAD 0.00005; ESP Exome Variant Server 0.00015.
gnomAD v4.1: 58 of 1,613,754 alleles (0.0036%); highest among the groups gnomAD compares: South Asian, 0.011%; no homozygotes.

Submissions (3):

Labcorp Genetics (formerly Invitae), Labcorp
Classification: Likely benign for Pallister-Hall syndrome; Greig cephalopolysyndactyly syndrome. Last evaluated: 2024-04-10. Review status: criteria provided, single submitter. Criteria: Invitae Variant Classification Sherloc (09022015). Collection method: clinical testing. Allele origin: germline.

Blueprint Genetics
Classification: Likely benign. Last evaluated: 2023-06-08. Review status: criteria provided, single submitter. Criteria: ACMG Guidelines, 2015. Collection method: clinical testing. Allele origin: germline.

PreventionGenetics, part of Exact Sciences
Classification: Likely benign for GLI3-related condition. Last evaluated: 2021-01-21. Review status: no assertion criteria provided. Collection method: clinical testing. Allele origin: germline. Not counted in ClinVar's aggregate classification.
Comment: This variant is classified as likely benign based on ACMG/AMP sequence variant interpretation guidelines (Richards et al. 2015 PMID: 25741868, with internal and published modifications).